The following is an entry in ClinVar:

ClinVar aggregate classification (germline): Likely benign (1 of 4 stars; one submission).

Conditions:
Arrhythmogenic right ventricular cardiomyopathy (ARVD). Also called: Arrhythmogenic right ventricular dysplasia; Cardiomyopathy, ARVC; Arrhythmogenic cardiomyopathy; Arrhythmogenic Right Ventricular Cardiomyopathy (ARVC). Identifiers: Orphanet 247, MedGen C0349788, MeSH D019571, MONDO:0016587. Disease mechanism: loss of function. Inheritance: Various modes of inheritance.

Submission:

All of Us Research Program, National Institutes of Health
Classification: Likely benign for Arrhythmogenic right ventricular cardiomyopathy. Last evaluated: 2023-11-20. Review status: criteria provided, single submitter. Criteria: ACMG Guidelines, 2015. Collection method: clinical testing. Allele origin: germline. Inheritance: Autosomal dominant inheritance. Observed: 1 variant allele, 1 heterozygote.
Comment: This study involves interpretation of variants in research participants for the purpose of population health screening. Participant phenotype was not available at the time of variant classification. Additional details can be found in publication PMID: 35346344, PMCID: PMC8962531

NM_001005242.3(PKP2):c.315T>C (p.Pro105=)

Gene: PKP2 (plakophilin 2; minus strand). Cytogenetic location: 12p11.21.
Variant type: single nucleotide variant.
Coding change: c.315T>C on transcript NM_001005242.3 (MANE Select); coding-DNA position 315, T replaced by C.
Protein change: p.Pro105=; no amino-acid change (proline 105 retained).
Molecular consequence: synonymous variant. On other transcripts: 5 prime UTR variant (4).
Genome position (GRCh38, 1-based): chr12:32,878,941, A>G on the plus strand (T>C on the coding strand, the complement: PKP2 is on the minus strand). VCF-style: chr12-32878941-A-G. GRCh37 (hg19) VCF-style: chr12-33031875-A-G.
Other names: c.315T>C, p.Pro105= (NM_001407155.1, NM_001407156.1, NM_001407157.1 and 2 more transcripts); c.-13T>C (NM_001407158.1, NM_001407159.1, NM_001407160.1 and 1 more transcripts).
Identifiers: ClinVar variation 3074712 (VCV003074712.1), dbSNP rs2541344549, ClinGen allele CA479174952.